The following is an entry in ClinVar:

ClinVar aggregate classification (germline): Uncertain significance (1 of 4 stars; one submission).

Submission:

Labcorp Genetics (formerly Invitae), Labcorp
Classification: Uncertain significance. Last evaluated: 2023-05-20. Review status: criteria provided, single submitter. Criteria: Invitae Variant Classification Sherloc (09022015). Collection method: clinical testing. Allele origin: unknown.
Comment: A copy number gain of the genomic region encompassing the full coding sequence of the MS4A1 gene has been identified. The boundaries of this event are unknown as they extend beyond the assayed region for this gene and therefore may encompass additional genes. As the precise location of this event is unknown, it may be in tandem or it may be located elsewhere in the genome. In summary, the available evidence is currently insufficient to determine the role of this variant in disease. Therefore, it has been classified as a Variant of Uncertain Significance. This variant has not been reported in the literature in individuals affected with MS4A1-related conditions.

NC_000011.9:g.(?_60229848)_(60235941_?)dup

Gene: MS4A1 (membrane spanning 4-domains A1; plus strand). Cytogenetic location: 11q12.2.
Variant type: Duplication.
Identifiers: ClinVar variation 3244788 (VCV003244788.1).